The following is an entry in ClinVar:

NM_000135.4(FANCA):c.427-12CT[2]

Gene: FANCA (FA complementation group A; minus strand). Cytogenetic location: 16q24.3.
Variant type: Microsatellite.
Coding change: c.427-12CT[2] on transcript NM_000135.4 (MANE Select); two copies in a row of the 2-base unit CT starting at c.427-12; the reference has three copies in a row; one copy, 2 bases deleted.
Molecular consequence: intron variant.
Genome position (GRCh38, 1-based): chr16:89,810,809-89,810,810, AG deleted on the plus strand (CT on the coding strand, the reverse complement: FANCA is on the minus strand); deleting any 2 consecutive bases within chr16:89,810,809-89,810,815 gives the same sequence; the position shown is the placement nearest the transcript's 3' end. VCF-style (leftmost placement, unchanged base first): chr16-89810808-AAG-A. GRCh37 (hg19) VCF-style: chr16-89877216-AAG-A.
Other names: c.427-12CT[2] (NM_001286167.3, NM_001018112.3); c.426+115CT[2] (NM_001351830.2).
Identifiers: ClinVar variation 1510151 (VCV001510151.7), dbSNP rs2143678081, ClinGen allele CA2573051117.

ClinVar aggregate classification (germline): Uncertain significance (1 of 4 stars; one submission).

Conditions:
Fanconi anemia (FA). Also called: Fanconi's anemia. Identifiers: Orphanet 84, MedGen C0015625, MeSH D005199, MONDO:0019391.

Submission:

Labcorp Genetics (formerly Invitae), Labcorp
Classification: Uncertain significance for Fanconi anemia. Last evaluated: 2025-01-15. Review status: criteria provided, single submitter. Criteria: Invitae Variant Classification Sherloc (09022015). Collection method: clinical testing. Allele origin: germline.
Comment: This sequence change falls in intron 4 of the FANCA gene. It does not directly change the encoded amino acid sequence of the FANCA protein. This variant is not present in population databases (gnomAD no frequency). This variant has not been reported in the literature in individuals affected with FANCA-related conditions. Algorithms developed to predict the effect of sequence changes on RNA splicing suggest that this variant may disrupt the consensus splice site. In summary, the available evidence is currently insufficient to determine the role of this variant in disease. Therefore, it has been classified as a Variant of Uncertain Significance.